The following is an entry in ClinVar:

ClinVar aggregate classification (germline): Uncertain significance (1 of 4 stars; one submission).

Conditions:
Fanconi anemia (FA). Also called: Fanconi's anemia. Identifiers: Orphanet 84, MedGen C0015625, MeSH D005199, MONDO:0019391.

Submission:

Labcorp Genetics (formerly Invitae), Labcorp
Classification: Uncertain significance for Fanconi anemia. Last evaluated: 2018-09-01. Review status: criteria provided, single submitter. Criteria: Invitae Variant Classification Sherloc (09022015). Collection method: clinical testing. Allele origin: germline.
Comment: This sequence change replaces valine with alanine at codon 552 of the FANCB protein (p.Val552Ala). The valine residue is weakly conserved and there is a small physicochemical difference between valine and alanine. This variant is not present in population databases (ExAC no frequency). This variant has not been reported in the literature in individuals with FANCB-related disease. Algorithms developed to predict the effect of missense changes on protein structure and function (SIFT, PolyPhen-2, Align-GVGD) all suggest that this variant is likely to be tolerated, but these predictions have not been confirmed by published functional studies and their clinical significance is uncertain. In summary, the available evidence is currently insufficient to determine the role of this variant in disease. Therefore, it has been classified as a Variant of Uncertain Significance.

NM_001018113.3(FANCB):c.1655T>C (p.Val552Ala)

Gene: FANCB (FA complementation group B; minus strand). Cytogenetic location: Xp22.2.
Variant type: single nucleotide variant.
Coding change: c.1655T>C on transcript NM_001018113.3 (MANE Select); coding-DNA position 1655, T replaced by C.
Protein change: p.Val552Ala; replaces valine 552 with alanine.
Molecular consequence: missense variant.
Genome position (GRCh38, 1-based): chrX:14,845,128, A>G on the plus strand (T>C on the coding strand, the complement: FANCB is on the minus strand). VCF-style: chrX-14845128-A-G. GRCh37 (hg19) VCF-style: chrX-14863250-A-G.
Other names: c.1655T>C, p.Val552Ala (NM_001324162.2, NM_152633.4); short protein forms V552A.
Identifiers: ClinVar variation 574627 (VCV000574627.9), dbSNP rs1569083698, ClinGen allele CA412440018.